The following is an entry in ClinVar:

NM_001374259.2(IL12RB2):c.1813G>A (p.Gly605Ser)

Gene: IL12RB2 (interleukin 12 receptor subunit beta 2; plus strand). Cytogenetic location: 1p31.3.
Variant type: single nucleotide variant.
Coding change: c.1813G>A on transcript NM_001374259.2 (MANE Select); coding-DNA position 1813, G replaced by A.
Protein change: p.Gly605Ser; replaces glycine 605 with serine.
Molecular consequence: missense variant. On other transcripts: non-coding transcript variant (2).
Genome position (GRCh38, 1-based): chr1:67,380,081, G>A. VCF-style: chr1-67380081-G-A. GRCh37 (hg19) VCF-style: chr1-67845764-G-A.
Other names: c.1813G>A, p.Gly605Ser (NM_001258214.1, NM_001258216.1, NM_001319233.1 and 1 more transcripts); c.1555G>A, p.Gly519Ser (NM_001258215.1); short protein forms G605S, G519S.
Identifiers: ClinVar variation 3682403 (VCV003682403.2).

ClinVar aggregate classification (germline): Uncertain significance (1 of 4 stars; one submission).

gnomAD v4.1: 1 of 1,614,012 alleles (0.000062%); highest among the groups gnomAD compares: African/African-American, 0.0013%; no homozygotes.

Submission:

Labcorp Genetics (formerly Invitae), Labcorp
Classification: Uncertain significance. Last evaluated: 2024-04-03. Review status: criteria provided, single submitter. Criteria: Invitae Variant Classification Sherloc (09022015). Collection method: clinical testing. Allele origin: germline.
Comment: This sequence change replaces glycine, which is neutral and non-polar, with serine, which is neutral and polar, at codon 605 of the IL12RB2 protein (p.Gly605Ser). This variant is not present in population databases (gnomAD no frequency). This variant has not been reported in the literature in individuals affected with IL12RB2-related conditions. An algorithm developed to predict the effect of missense changes on protein structure and function (PolyPhen-2) suggests that this variant is likely to be disruptive. In summary, the available evidence is currently insufficient to determine the role of this variant in disease. Therefore, it has been classified as a Variant of Uncertain Significance.